The following is an entry in ClinVar:

NM_006662.3(SRCAP):c.6620G>T (p.Arg2207Leu)

Gene: SRCAP (Snf2 related CREBBP activator protein; plus strand). Cytogenetic location: 16p11.2.
Variant type: single nucleotide variant.
Coding change: c.6620G>T on transcript NM_006662.3 (MANE Select); coding-DNA position 6620, G replaced by T.
Protein change: p.Arg2207Leu; replaces arginine 2207 with leucine.
Molecular consequence: missense variant.
Genome position (GRCh38, 1-based): chr16:30,734,506, G>T. VCF-style: chr16-30734506-G-T. GRCh37 (hg19) VCF-style: chr16-30745827-G-T.
Other names: short protein forms R2207L.
Identifiers: ClinVar variation 3366222 (VCV003366222.1).
Genomic context (GRCh38, chr16:30,734,506, plus strand): 5'-AAGACTAGCATTCTGTTGACTCTGACACTTCCCTCTGTTCTATCCGATAGCAGACCATCC[G>T]AGAGCTGTTTGATATGCCCCTGGAGGAACCTTCTAGCTCATCCGTGCCCTCTGCCCCTGA-3'
Protein context (NP_006653.2, residues 2197-2217): TTAYFKQQTI[Arg2207Leu]ELFDMPLEEP

ClinVar aggregate classification (germline): Uncertain significance (1 of 4 stars; one submission).

Submission:

GeneDx
Classification: Uncertain significance. Last evaluated: 2023-10-20. Review status: criteria provided, single submitter. Criteria: GeneDx Variant Classification Process June 2021. Collection method: clinical testing. Allele origin: germline. Affected: yes.
Comment: Has not been previously published as pathogenic or benign to our knowledge; In silico analysis supports that this missense variant has a deleterious effect on protein structure/function; Not observed at significant frequency in large population cohorts (gnomAD)